The following is an entry in ClinVar:

ClinVar aggregate classification (germline): Uncertain significance. Review status: criteria provided, multiple submitters, no conflicts (2 of 4 stars). 2 submissions from 2 submitters: Uncertain significance (2). Last evaluated 2022-10-21.

Conditions:
Niemann-Pick disease, type C1. Also called: NEUROVISCERAL STORAGE DISEASE WITH VERTICAL SUPRANUCLEAR OPHTHALMOPLEGIA; NIEMANN-PICK DISEASE WITH CHOLESTEROL ESTERIFICATION BLOCK; NIEMANN-PICK DISEASE WITHOUT SPHINGOMYELINASE DEFICIENCY; NIEMANN-PICK DISEASE, CHRONIC NEURONOPATHIC FORM; NIEMANN-PICK DISEASE, VARIANT TYPE C1. Identifiers: Orphanet 646, MedGen C3179455, MONDO:0009757, OMIM 257220.

Allele frequency attached by ClinVar (database versions not stated): gnomAD exomes 0.00002; ExAC 0.00003; TOPMed 0.00004; gnomAD 0.00005 and 0.00006; ESP Exome Variant Server 0.00015.
gnomAD v4.1: 40 of 1,613,934 alleles (0.0025%); highest among the groups gnomAD compares: African/African-American, 0.0053%; no homozygotes.

Submissions (2):

Labcorp Genetics (formerly Invitae), Labcorp
Classification: Uncertain significance for Niemann-Pick disease, type C1. Last evaluated: 2022-10-21. Review status: criteria provided, single submitter. Criteria: Invitae Variant Classification Sherloc (09022015). Collection method: clinical testing. Allele origin: germline.
Comment: This sequence change replaces arginine, which is basic and polar, with tryptophan, which is neutral and slightly polar, at codon 161 of the NPC1 protein (p.Arg161Trp). This variant is present in population databases (rs141243713, gnomAD 0.005%). This variant has not been reported in the literature in individuals affected with NPC1-related conditions. ClinVar contains an entry for this variant (Variation ID: 181454). Advanced modeling of protein sequence and biophysical properties (such as structural, functional, and spatial information, amino acid conservation, physicochemical variation, residue mobility, and thermodynamic stability) has been performed at Invitae for this missense variant, however the output from this modeling did not meet the statistical confidence thresholds required to predict the impact of this variant on NPC1 protein function. In summary, the available evidence is currently insufficient to determine the role of this variant in disease. Therefore, it has been classified as a Variant of Uncertain Significance.

Eurofins Ntd Llc (ga)
Classification: Uncertain significance. Last evaluated: 2016-09-01. Review status: criteria provided, single submitter. Criteria: EGL Classification Definitions 2015. Collection method: clinical testing. Allele origin: germline. Observed: 1 variant allele, 1 heterozygote.

NM_000271.5(NPC1):c.481C>T (p.Arg161Trp)

Gene: NPC1 (NPC intracellular cholesterol transporter 1; minus strand). Cytogenetic location: 18q11.2.
Variant type: single nucleotide variant.
Coding change: c.481C>T on transcript NM_000271.5 (MANE Select); coding-DNA position 481, C replaced by T.
Protein change: p.Arg161Trp; replaces arginine 161 with tryptophan.
Molecular consequence: missense variant.
Genome position (GRCh38, 1-based): chr18:23,561,510, G>A on the plus strand (C>T on the coding strand, the complement: NPC1 is on the minus strand). VCF-style: chr18-23561510-G-A. GRCh37 (hg19) VCF-style: chr18-21141474-G-A.
Other names: short protein forms R161W.
Identifiers: ClinVar variation 181454 (VCV000181454.9), dbSNP rs141243713, ClinGen allele CA297009.